The following is an entry in ClinVar:

NM_000363.5(TNNI3):c.166A>G (p.Ile56Val)

Gene: TNNI3 (troponin I3, cardiac type; minus strand). Cytogenetic location: 19q13.42.
Variant type: single nucleotide variant.
Coding change: c.166A>G on transcript NM_000363.5 (MANE Select); coding-DNA position 166, A replaced by G.
Protein change: p.Ile56Val; replaces isoleucine 56 with valine.
Molecular consequence: missense variant.
Genome position (GRCh38, 1-based): chr19:55,156,317, T>C on the plus strand (A>G on the coding strand, the complement: TNNI3 is on the minus strand). VCF-style: chr19-55156317-T-C. GRCh37 (hg19) VCF-style: chr19-55667685-T-C.
Other names: short protein forms I56V.
Identifiers: ClinVar variation 1492649 (VCV001492649.8), dbSNP rs765219322, ClinGen allele CA050564.

ClinVar aggregate classification (germline): Uncertain significance (1 of 4 stars; one submission).

Conditions:
Hypertrophic cardiomyopathy. Also called: HYPERTROPHIC MYOCARDIOPATHY. Identifiers: Orphanet 217569, MedGen C0007194, MeSH D002312, MONDO:0005045, HP:0001639.

Allele frequency attached by ClinVar (database versions not stated): ExAC 0.00001.

Submission:

Labcorp Genetics (formerly Invitae), Labcorp
Classification: Uncertain significance for Hypertrophic cardiomyopathy. Last evaluated: 2023-08-11. Review status: criteria provided, single submitter. Criteria: Invitae Variant Classification Sherloc (09022015). Collection method: clinical testing. Allele origin: germline.
Comment: This sequence change replaces isoleucine, which is neutral and non-polar, with valine, which is neutral and non-polar, at codon 56 of the TNNI3 protein (p.Ile56Val). This variant is not present in population databases (gnomAD no frequency). This variant has not been reported in the literature in individuals affected with TNNI3-related conditions. ClinVar contains an entry for this variant (Variation ID: 1492649). An algorithm developed to predict the effect of missense changes on protein structure and function (PolyPhen-2) suggests that this variant is likely to be tolerated. Algorithms developed to predict the effect of sequence changes on RNA splicing suggest that this variant may create or strengthen a splice site. In summary, the available evidence is currently insufficient to determine the role of this variant in disease. Therefore, it has been classified as a Variant of Uncertain Significance.